The following is an entry in ClinVar:

ClinVar aggregate classification (germline): Uncertain significance (1 of 4 stars; one submission).

Conditions:
Inborn genetic diseases. Identifiers: MedGen C0950123, MeSH D030342.

Submission:

Ambry Genetics
Classification: Uncertain significance for Inborn genetic diseases. Last evaluated: 2025-03-27. Review status: criteria provided, single submitter. Criteria: Ambry Variant Classification Scheme 2023. Collection method: clinical testing. Allele origin: germline.
Comment: The p.S9P variant (also known as c.25T>C), located in coding exon 1 of the SH2B3 gene, results from a T to C substitution at nucleotide position 25. The serine at codon 9 is replaced by proline, an amino acid with similar properties. This amino acid position is conserved. In addition, this alteration is predicted to be tolerated by in silico analysis. Based on the available evidence, the clinical significance of this variant remains unclear.

NM_005475.3(SH2B3):c.25T>C (p.Ser9Pro)

Gene: SH2B3 (SH2B adaptor protein 3; plus strand). Cytogenetic location: 12q24.12.
Variant type: single nucleotide variant.
Coding change: c.25T>C on transcript NM_005475.3 (MANE Select); coding-DNA position 25, T replaced by C.
Protein change: p.Ser9Pro; replaces serine 9 with proline.
Molecular consequence: missense variant.
Genome position (GRCh38, 1-based): chr12:111,418,170, T>C. VCF-style: chr12-111418170-T-C. GRCh37 (hg19) VCF-style: chr12-111855974-T-C.
Other names: short protein forms S9P.
Identifiers: ClinVar variation 3953391 (VCV003953391.1).